The following is an entry in ClinVar:

NC_000009.12:g.110668644A>G

Gene: MUSK (muscle associated receptor tyrosine kinase; plus strand). Cytogenetic location: 9q31.3.
Variant type: single nucleotide variant.
Genome position: GRCh38 VCF-style: chr9-110668644-A-G. GRCh37 (hg19) VCF-style: chr9-113430924-A-G.
Identifiers: ClinVar variation 1699741 (VCV001699741.3), dbSNP rs138941963, ClinGen allele CA198329459.

ClinVar aggregate classification (germline): Likely benign (1 of 4 stars; one submission).

Allele frequency attached by ClinVar (database versions not stated): gnomAD exomes 0.00034; 1000 Genomes Project 0.00200; 1000 Genomes Project 30x 0.00234; gnomAD 0.00327 and 0.00347.

Submission:

GeneDx
Classification: Likely benign. Last evaluated: 2022-01-17. Review status: criteria provided, single submitter. Criteria: GeneDx Variant Classification Process June 2021. Collection method: clinical testing. Allele origin: germline. Affected: yes.
Comment: See Variant Classification Assertion Criteria.